The following is an entry in ClinVar:

ClinVar aggregate classification (germline): Uncertain significance (1 of 4 stars; one submission).

Conditions:
Familial thoracic aortic aneurysm and aortic dissection (TAAD). Also called: Thoracic aortic aneurysms and dissections. Identifiers: Orphanet 91387, MedGen C4707243, MONDO:0019625.

Submission:

All of Us Research Program, National Institutes of Health
Classification: Uncertain significance for Familial thoracic aortic aneurysm and aortic dissection. Last evaluated: 2023-05-31. Review status: criteria provided, single submitter. Criteria: ACMG Guidelines, 2015. Collection method: clinical testing. Allele origin: germline. Inheritance: Autosomal dominant inheritance. Observed: 1 variant allele, 1 heterozygote.
Comment: This study involves interpretation of variants in research participants for the purpose of population health screening. Participant phenotype was not available at the time of variant classification. Additional details can be found in publication PMID: 35346344, PMCID: PMC8962531

NM_002474.3(MYH11):c.3469G>T (p.Asp1157Tyr)

Gene: MYH11 (myosin heavy chain 11; minus strand). Cytogenetic location: 16p13.11.
Variant type: single nucleotide variant.
Coding change: c.3469G>T on transcript NM_002474.3 (MANE Select); coding-DNA position 3469, G replaced by T.
Protein change: p.Asp1157Tyr; replaces aspartic acid 1157 with tyrosine.
Molecular consequence: missense variant.
Genome position (GRCh38, 1-based): chr16:15,735,403, C>A on the plus strand (G>T on the coding strand, the complement: MYH11 is on the minus strand). VCF-style: chr16-15735403-C-A. GRCh37 (hg19) VCF-style: chr16-15829260-C-A.
Other names: c.3490G>T, p.Asp1164Tyr (NM_001040113.2, NM_001040114.2); c.3469G>T, p.Asp1157Tyr (NM_022844.3); short protein forms D1157Y, D1164Y.
Identifiers: ClinVar variation 3071169 (VCV003071169.1), dbSNP rs746943696, ClinGen allele CA394861805.